The following is an entry in ClinVar:

NM_006231.4(POLE):c.2492T>G (p.Met831Arg)

Gene: POLE (DNA polymerase epsilon, catalytic subunit; minus strand). Cytogenetic location: 12q24.33.
Variant type: single nucleotide variant.
Coding change: c.2492T>G on transcript NM_006231.4 (MANE Select); coding-DNA position 2492, T replaced by G.
Protein change: p.Met831Arg; replaces methionine 831 with arginine.
Molecular consequence: missense variant.
Genome position (GRCh38, 1-based): chr12:132,664,439, A>C on the plus strand (T>G on the coding strand, the complement: POLE is on the minus strand). VCF-style: chr12-132664439-A-C. GRCh37 (hg19) VCF-style: chr12-133241025-A-C.
Other names: short protein forms M831R.
Identifiers: ClinVar variation 473535 (VCV000473535.11), dbSNP rs749619971, ClinGen allele CA6893526.
Genomic context (GRCh38, chr12:132,664,439, plus strand): 5'-TCGATCAGCTCCCGTGCCTGGGTGATGATGTTGGCCCCTGTGAAGCAGACGATGCCAGCC[A>C]TCTCCATGGAGTACCAGCGAGCCCTGAGAGGACACCACAAACTGGTGGGTGGGGCTGGCA-3'
Protein context (NP_006222.2, residues 821-841): RKGARWYSME[Met831Arg]AGIVCFTGAN

ClinVar aggregate classification (germline): Uncertain significance. Review status: criteria provided, multiple submitters, no conflicts (2 of 4 stars). 2 submissions from 2 submitters: Uncertain significance (2). Last evaluated 2024-06-10.

Conditions:
Hereditary cancer-predisposing syndrome. Also called: Neoplastic Syndromes, Hereditary; Tumor predisposition; Hereditary Cancer Syndrome; Hereditary neoplastic syndrome. Identifiers: Orphanet 140162, MedGen C0027672, MeSH D009386, MONDO:0015356.

Allele frequency attached by ClinVar (database versions not stated): gnomAD exomes below 0.00001 and 0.00001; ExAC 0.00001.
gnomAD v4.1: 2 of 1,614,048 alleles (0.00012%); highest among the groups gnomAD compares: South Asian, 0.0022%; no homozygotes.

Submissions (2):

Labcorp Genetics (formerly Invitae), Labcorp
Classification: Uncertain significance. Last evaluated: 2024-06-10. Review status: criteria provided, single submitter. Criteria: Invitae Variant Classification Sherloc (09022015). Collection method: clinical testing. Allele origin: germline.
Comment: This sequence change replaces methionine, which is neutral and non-polar, with arginine, which is basic and polar, at codon 831 of the POLE protein (p.Met831Arg). This variant is present in population databases (rs749619971, gnomAD 0.006%). This variant has not been reported in the literature in individuals affected with POLE-related conditions. ClinVar contains an entry for this variant (Variation ID: 473535). Advanced modeling of protein sequence and biophysical properties (such as structural, functional, and spatial information, amino acid conservation, physicochemical variation, residue mobility, and thermodynamic stability) performed at Invitae indicates that this missense variant is expected to disrupt POLE protein function with a positive predictive value of 80%. In summary, the available evidence is currently insufficient to determine the role of this variant in disease. Therefore, it has been classified as a Variant of Uncertain Significance.

Ambry Genetics
Classification: Uncertain significance for Hereditary cancer-predisposing syndrome. Last evaluated: 2022-09-18. Review status: criteria provided, single submitter. Criteria: Ambry Variant Classification Scheme 2023. Collection method: clinical testing. Allele origin: germline.
Comment: The p.M831R variant (also known as c.2492T>G), located in coding exon 22 of the POLE gene, results from a T to G substitution at nucleotide position 2492. The methionine at codon 831 is replaced by arginine, an amino acid with similar properties. This amino acid position is conserved. In addition, this alteration is predicted to be deleterious by in silico analysis. Since supporting evidence is limited at this time, the clinical significance of this alteration remains unclear.